The following is an entry in ClinVar:

ClinVar aggregate classification (germline): Uncertain significance (1 of 4 stars; one submission).

Conditions:
Fanconi anemia (FA). Also called: Fanconi's anemia. Identifiers: Orphanet 84, MedGen C0015625, MeSH D005199, MONDO:0019391.

Allele frequency attached by ClinVar (database versions not stated): gnomAD exomes below 0.00001; ExAC 0.00001.
gnomAD v4.1: 6 of 1,613,946 alleles (0.00037%); highest among the groups gnomAD compares: Non-Finnish European, 0.00051%; no homozygotes.

Submission:

Labcorp Genetics (formerly Invitae), Labcorp
Classification: Uncertain significance for Fanconi anemia. Last evaluated: 2023-10-25. Review status: criteria provided, single submitter. Criteria: Invitae Variant Classification Sherloc (09022015). Collection method: clinical testing. Allele origin: germline.
Comment: This sequence change replaces glutamine, which is neutral and polar, with arginine, which is basic and polar, at codon 340 of the FANCD2 protein (p.Gln340Arg). This variant is present in population databases (rs749698541, gnomAD 0.002%). This variant has not been reported in the literature in individuals affected with FANCD2-related conditions. Advanced modeling of protein sequence and biophysical properties (such as structural, functional, and spatial information, amino acid conservation, physicochemical variation, residue mobility, and thermodynamic stability) performed at Invitae indicates that this missense variant is not expected to disrupt FANCD2 protein function with a negative predictive value of 80%. In summary, the available evidence is currently insufficient to determine the role of this variant in disease. Therefore, it has been classified as a Variant of Uncertain Significance.

NM_001018115.3(FANCD2):c.1019A>G (p.Gln340Arg)

Genes: FANCD2 (FA complementation group D2; plus strand), LOC107303338 (3p25 FANCD2 Alu-mediated recombination region; plus strand). Cytogenetic location: 3p25.3.
Variant type: single nucleotide variant.
Coding change: c.1019A>G on transcript NM_001018115.3 (MANE Select); coding-DNA position 1019, A replaced by G.
Protein change: p.Gln340Arg; replaces glutamine 340 with arginine.
Molecular consequence: missense variant.
Genome position (GRCh38, 1-based): chr3:10,043,513, A>G. VCF-style: chr3-10043513-A-G. GRCh37 (hg19) VCF-style: chr3-10085197-A-G.
Other names: c.1019A>G, p.Gln340Arg (NM_001319984.2, NM_001374253.1, NM_001374254.1 and 1 more transcripts); short protein forms Q340R.
Identifiers: ClinVar variation 2721034 (VCV002721034.3), dbSNP rs749698541, ClinGen allele CA2249466.
Genomic context (GRCh38, chr3:10,043,513, plus strand): 5'-GAGTAATTTTTTTCCTCTCTGCTACTTGTAGTTCCTCAGGAAATCAAGAAAGCAGCGGTC[A>G]GAGCTGTATTATTCTCCTCTTTGATGTAATAAAGTCAGCTATTAGATATGAGAAAACCAT-3'
Protein context (NP_001018125.1, residues 330-350): SSSGNQESSG[Gln340Arg]SCIILLFDVI